The following is an entry in ClinVar:

NM_007294.4(BRCA1):c.260dup (p.Leu87fs)

Gene: BRCA1 (BRCA1 DNA repair associated; minus strand). Cytogenetic location: 17q21.31.
Variant type: Duplication.
Coding change: c.260dup on transcript NM_007294.4 (MANE Select); coding-DNA position 260, one base duplicated (T; older notation c.260dupT).
Protein change: p.Leu87fs; shifts the reading frame from leucine 87.
Molecular consequence: frameshift variant. On other transcripts: intron variant (2), 5 prime UTR variant (7).
Genome position (GRCh38, 1-based): chr17:43,104,909, A duplicated on the plus strand (T on the coding strand, the reverse complement: BRCA1 is on the minus strand); the first of 2 consecutive A bases (chr17:43,104,909-43,104,910); duplicating either gives the same sequence. VCF-style (leftmost placement, unchanged base first): chr17-43104908-C-CA. GRCh37 (hg19) VCF-style: chr17-41256925-C-CA.
Other names: c.119dup, p.Leu40fs (NM_001407850.1, NM_001407851.1, NM_001407852.1 and 99 more transcripts); c.50dup, p.Leu17fs (NM_001407853.1, NM_001408478.1, NM_001408479.1 and 58 more transcripts); c.260dup, p.Leu87fs (NM_001407854.1, NM_001407858.1, NM_001407859.1 and 167 more transcripts); c.182dup, p.Leu61fs (NM_001407862.1, NM_001408474.1, NM_001408475.1 and 21 more transcripts); c.259dup, p.Leu87Phefs (NM_007304.2); c.-218-10049dup (NM_001407967.1, NM_001407966.1); c.-122dup (NM_001408510.1, NM_001408512.1, NM_001407959.1 and 4 more transcripts); c.128dup, p.Leu43fs (NM_001408451.1); and 1 more; short protein forms L43fs, L87fs, L17fs, L40fs, L61fs.
Identifiers: ClinVar variation 2761838 (VCV002761838.4), dbSNP rs2552254599, ClinGen allele CA2697559893.

ClinVar aggregate classification (germline): Pathogenic. Review status: criteria provided, multiple submitters, no conflicts (2 of 4 stars). 2 submissions from 2 submitters: Pathogenic (2). Last evaluated 2026-03-30.

Conditions:
Hereditary breast ovarian cancer syndrome. Also called: Hereditary breast and ovarian cancer syndrome; Hereditary breast and ovarian cancer; Hereditary breast and/or ovarian cancer syndrome; BRCA1- and BRCA2-Associated Hereditary Breast and Ovarian Cancer; Hereditary breast and ovarian cancer syndrome (HBOC); Breast and ovarian cancer. Identifiers: Orphanet 145, MedGen C0677776, MeSH D061325, MONDO:0003582. Disease mechanism: loss of function.

Submissions (2):

Women's Health and Genetics/Laboratory Corporation of America, LabCorp
Classification: Pathogenic for Hereditary breast ovarian cancer syndrome. Last evaluated: 2026-03-30. Review status: criteria provided, single submitter. Criteria: LabCorp Variant Classification Summary - May 2015. Collection method: clinical testing. Allele origin: germline.
Comment: Variant summary: BRCA1 c.260dupT (p.Leu87PhefsX10) results in a premature termination codon, predicted to cause a truncation of the encoded protein or absence of the protein due to nonsense mediated decay, which are commonly known mechanisms for disease. The variant was absent in 251232 control chromosomes. To our knowledge, no occurrence of c.260dupT in individuals affected with BRCA1-related conditions and no experimental evidence demonstrating its impact on protein function have been reported. ClinVar contains an entry for this variant (Variation ID: 2761838). Based on the evidence outlined above, the variant was classified as pathogenic.

Labcorp Genetics (formerly Invitae), Labcorp
Classification: Pathogenic for Hereditary breast ovarian cancer syndrome. Last evaluated: 2023-09-19. Review status: criteria provided, single submitter. Criteria: Invitae Variant Classification Sherloc (09022015). Collection method: clinical testing. Allele origin: germline.
Comment: For these reasons, this variant has been classified as Pathogenic. This variant has not been reported in the literature in individuals affected with BRCA1-related conditions. This variant is not present in population databases (gnomAD no frequency). This sequence change creates a premature translational stop signal (p.Leu87Phefs*10) in the BRCA1 gene. It is expected to result in an absent or disrupted protein product. Loss-of-function variants in BRCA1 are known to be pathogenic (PMID: 20104584).

Literature cited by the submitters: PubMed 10359546 (cited by Women's Health and Genetics/Laboratory Corporation of America, LabCorp); PubMed 20104584 (cited by Labcorp Genetics (formerly Invitae), Labcorp).